The following is an entry in ClinVar:

NM_004715.5(CTDP1):c.2240G>A (p.Arg747Gln)

Gene: CTDP1 (CTD phosphatase subunit 1; plus strand). Cytogenetic location: 18q23.
Variant type: single nucleotide variant.
Coding change: c.2240G>A on transcript NM_004715.5 (MANE Select); coding-DNA position 2240, G replaced by A.
Protein change: p.Arg747Gln; replaces arginine 747 with glutamine.
Molecular consequence: missense variant.
Genome position (GRCh38, 1-based): chr18:79,717,839, G>A. VCF-style: chr18-79717839-G-A. GRCh37 (hg19) VCF-style: chr18-77477839-G-A.
Other names: c.1883G>A, p.Arg628Gln (NM_001202504.1); c.2240G>A, p.Arg747Gln (NM_001318511.2, NM_048368.4); short protein forms R628Q, R747Q.
Identifiers: ClinVar variation 2421120 (VCV002421120.5), dbSNP rs200603501, ClinGen allele CA9010529.

ClinVar aggregate classification (germline): Uncertain significance. Review status: criteria provided, multiple submitters, no conflicts (2 of 4 stars). 2 submissions from 2 submitters: Uncertain significance (2). Last evaluated 2024-06-16.

Allele frequency attached by ClinVar (database versions not stated): gnomAD 0.00003.
gnomAD v4.1: 43 of 1,613,514 alleles (0.0027%); highest among the groups gnomAD compares: South Asian, 0.0055%; no homozygotes.

Submissions (2):

Ambry Genetics
Classification: Uncertain significance. Last evaluated: 2024-06-16. Review status: criteria provided, single submitter. Criteria: Ambry Variant Classification Scheme 2023. Collection method: clinical testing. Allele origin: germline.

Labcorp Genetics (formerly Invitae), Labcorp
Classification: Uncertain significance. Last evaluated: 2021-12-24. Review status: criteria provided, single submitter. Criteria: Invitae Variant Classification Sherloc (09022015). Collection method: clinical testing. Allele origin: germline.
Comment: In summary, the available evidence is currently insufficient to determine the role of this variant in disease. Therefore, it has been classified as a Variant of Uncertain Significance. Algorithms developed to predict the effect of sequence changes on RNA splicing suggest that this variant may create or strengthen a splice site. Algorithms developed to predict the effect of missense changes on protein structure and function are either unavailable or do not agree on the potential impact of this missense change (SIFT: "Tolerated"; PolyPhen-2: "Possibly Damaging"; Align-GVGD: "Class C0"). This variant has not been reported in the literature in individuals affected with CTDP1-related conditions. This variant is present in population databases (rs200603501, gnomAD 0.01%). This sequence change replaces arginine, which is basic and polar, with glutamine, which is neutral and polar, at codon 747 of the CTDP1 protein (p.Arg747Gln).